The following is an entry in ClinVar:

ClinVar aggregate classification (germline): Uncertain significance (1 of 4 stars; one submission).

Submission:

Labcorp Genetics (formerly Invitae), Labcorp
Classification: Uncertain significance. Last evaluated: 2024-12-02. Review status: criteria provided, single submitter. Criteria: Invitae Variant Classification Sherloc (09022015). Collection method: clinical testing. Allele origin: germline.
Comment: This sequence change replaces threonine, which is neutral and polar, with isoleucine, which is neutral and non-polar, at codon 415 of the EGF protein (p.Thr415Ile). This variant is present in population databases (no rsID available, gnomAD 0.0009%). This variant has not been reported in the literature in individuals affected with EGF-related conditions. An algorithm developed to predict the effect of missense changes on protein structure and function (PolyPhen-2) suggests that this variant is likely to be disruptive. In summary, the available evidence is currently insufficient to determine the role of this variant in disease. Therefore, it has been classified as a Variant of Uncertain Significance.

NM_001963.6(EGF):c.1244C>T (p.Thr415Ile)

Gene: EGF (epidermal growth factor; plus strand). Cytogenetic location: 4q25.
Variant type: single nucleotide variant.
Coding change: c.1244C>T on transcript NM_001963.6 (MANE Select); coding-DNA position 1244, C replaced by T.
Protein change: p.Thr415Ile; replaces threonine 415 with isoleucine.
Molecular consequence: missense variant.
Genome position (GRCh38, 1-based): chr4:109,961,917, C>T. VCF-style: chr4-109961917-C-T. GRCh37 (hg19) VCF-style: chr4-110883073-C-T.
Other names: c.1244C>T, p.Thr415Ile (NM_001178130.3); c.1118C>T, p.Thr373Ile (NM_001178131.3, NM_001357021.2); short protein forms T373I, T415I.
Identifiers: ClinVar variation 3608837 (VCV003608837.2).